The following is an entry in ClinVar:

ClinVar aggregate classification (germline): Likely benign. Review status: criteria provided, multiple submitters, no conflicts (2 of 4 stars). 2 submissions from 2 submitters: Likely benign (2). Last evaluated 2025-08-07.

Allele frequency attached by ClinVar (database versions not stated): gnomAD exomes 0.00009; TOPMed 0.00009; gnomAD 0.00011; ExAC 0.00019; 1000 Genomes Project 30x 0.00031; 1000 Genomes Project 0.00040.
gnomAD v4.1: 153 of 1,612,968 alleles (0.0095%); highest among the groups gnomAD compares: South Asian, 0.14%; no homozygotes.

Submissions (2):

Labcorp Genetics (formerly Invitae), Labcorp
Classification: Likely benign. Last evaluated: 2025-08-07. Review status: criteria provided, single submitter. Criteria: Invitae Variant Classification Sherloc (09022015). Collection method: clinical testing. Allele origin: germline.

CeGaT Center for Human Genetics Tuebingen
Classification: Likely benign. Last evaluated: 2023-02-01. Review status: criteria provided, single submitter. Criteria: CeGaT Center For Human Genetics Tuebingen Variant Classification Criteria Version 2. Collection method: clinical testing. Allele origin: germline. Affected: yes. Observed: 1 variant allele.
Comment: WNT3: BP4, BP7

NM_030753.5(WNT3):c.258C>T (p.Gly86=)

Genes: LRRC37A2 (leucine rich repeat containing 37 member A2), WNT3 (Wnt family member 3; minus strand). Cytogenetic location: 17q21.31.
Variant type: single nucleotide variant.
Coding change: c.258C>T on transcript NM_030753.5 (MANE Select); coding-DNA position 258, C replaced by T.
Protein change: p.Gly86=; no amino-acid change (glycine 86 retained).
Molecular consequence: synonymous variant.
Genome position (GRCh38, 1-based): chr17:46,773,732, G>A on the plus strand (C>T on the coding strand, the complement: WNT3 is on the minus strand). VCF-style: chr17-46773732-G-A. GRCh37 (hg19) VCF-style: chr17-44851098-G-A.
Identifiers: ClinVar variation 2647870 (VCV002647870.27), dbSNP rs547894383, ClinGen allele CA8620654.